The following is an entry in ClinVar:

NM_001130438.3(SPTAN1):c.1550G>C (p.Ser517Thr)

Gene: SPTAN1 (spectrin alpha, non-erythrocytic 1; plus strand). Cytogenetic location: 9q34.11.
Variant type: single nucleotide variant.
Coding change: c.1550G>C on transcript NM_001130438.3 (MANE Select); coding-DNA position 1550, G replaced by C.
Protein change: p.Ser517Thr; replaces serine 517 with threonine.
Molecular consequence: missense variant.
Genome position (GRCh38, 1-based): chr9:128,581,870, G>C. VCF-style: chr9-128581870-G-C. GRCh37 (hg19) VCF-style: chr9-131344149-G-C.
Other names: c.1550G>C, p.Ser517Thr (NM_001195532.2, NM_001363759.2, NM_001363765.2 and 1 more transcripts); short protein forms S517T.
Identifiers: ClinVar variation 388456 (VCV000388456.10), dbSNP rs755356541, ClinGen allele CA5264428.
Genomic context (GRCh38, chr9:128,581,870, plus strand): 5'-ATTCCTTGGATAGTGTGGAAGCGCTTCTTAAGAAGCACGAAGACTTTGAGAAATCCCTTA[G>C]TGCCCAGGAGGAAAAGATTACAGTAAGACCCCTTCTTGTCAGTGCTTTCAAATGACCCTT-3'
Protein context (NP_001123910.1, residues 507-527): KKHEDFEKSL[Ser517Thr]AQEEKITALD

ClinVar aggregate classification (germline): Conflicting classifications of pathogenicity. Review status: criteria provided, conflicting classifications (1 of 4 stars). 3 submissions from 3 submitters: Uncertain significance (2); Likely benign (1). Last evaluated 2025-09-03.

Conditions:
Early-infantile DEE. Also called: Ohtahara syndrome; Early infantile epileptic encephalopathy; Early infantile epileptic encephalopathy with suppression bursts. Identifiers: Orphanet 1934, MedGen C0393706, MONDO:0800491.
Inborn genetic diseases. Identifiers: MedGen C0950123, MeSH D030342.

Allele frequency attached by ClinVar (database versions not stated): ExAC 0.00001; gnomAD 0.00002; TOPMed 0.00002.
gnomAD v4.1: 20 of 1,613,518 alleles (0.0012%); highest among the groups gnomAD compares: Non-Finnish European, 0.0016%; no homozygotes.

Submissions (3):

Labcorp Genetics (formerly Invitae), Labcorp
Classification: Uncertain significance for Early-infantile DEE. Last evaluated: 2025-09-03. Review status: criteria provided, single submitter. Criteria: Invitae Variant Classification Sherloc (09022015). Collection method: clinical testing. Allele origin: germline.
Comment: This sequence change replaces serine, which is neutral and polar, with threonine, which is neutral and polar, at codon 517 of the SPTAN1 protein (p.Ser517Thr). This variant is present in population databases (rs755356541, gnomAD 0.004%). This variant has not been reported in the literature in individuals affected with SPTAN1-related conditions. ClinVar contains an entry for this variant (Variation ID: 388456). Invitae Evidence Modeling of protein sequence and biophysical properties (such as structural, functional, and spatial information, amino acid conservation, physicochemical variation, residue mobility, and thermodynamic stability) has been performed for this missense variant. However, the output from this modeling did not meet the statistical confidence thresholds required to predict the impact of this variant on SPTAN1 protein function. In summary, the available evidence is currently insufficient to determine the role of this variant in disease. Therefore, it has been classified as a Variant of Uncertain Significance.

Ambry Genetics
Classification: Uncertain significance for Inborn genetic diseases. Last evaluated: 2025-03-18. Review status: criteria provided, single submitter. Criteria: Ambry Variant Classification Scheme 2023. Collection method: clinical testing. Allele origin: germline.

GeneDx
Classification: Likely benign. Last evaluated: 2016-09-28. Review status: criteria provided, single submitter. Criteria: GeneDx Variant Classification (06012015). Collection method: clinical testing. Allele origin: germline. Affected: yes.
Comment: This variant is considered likely benign or benign based on one or more of the following criteria: it is a conservative change, it occurs at a poorly conserved position in the protein, it is predicted to be benign by multiple in silico algorithms, and/or has population frequency not consistent with disease.